The following is an entry in ClinVar:

ClinVar aggregate classification (germline): Conflicting classifications of pathogenicity. Review status: criteria provided, conflicting classifications (1 of 4 stars). 8 submissions from 8 submitters: Uncertain significance (6); Likely benign (1). 1 of the submissions does not count toward it. Last evaluated 2025-07-07.

Conditions:
Hereditary cancer-predisposing syndrome. Also called: Hereditary Cancer Syndrome; Neoplastic Syndromes, Hereditary; Hereditary neoplastic syndrome; Tumor predisposition. Identifiers: Orphanet 140162, MedGen C0027672, MeSH D009386, MONDO:0015356.
Breast-ovarian cancer, familial, susceptibility to, 2 (BROVCA2). Also called: BRCA2 Hereditary Breast and Ovarian Cancer. Identifiers: Orphanet 145, MedGen C2675520, MONDO:0012933, OMIM 612555. Disease mechanism: loss of function.
Fanconi anemia complementation group D1. Also called: BRCA2-Related Fanconi Anemia. Identifiers: Orphanet 319462, MedGen C1838457, MONDO:0011584, OMIM 605724.
Medulloblastoma (MDB). Also called: MEDULLOBLASTOMA PREDISPOSITION SYNDROME; Medulloblastoma, somatic. Identifiers: Orphanet 616, MedGen C0025149, MeSH D008527, MONDO:0007959, OMIM 155255, HP:0002885.
Pancreatic cancer, susceptibility to, 2. Identifiers: Orphanet 1333, MedGen C3150546, MONDO:0013235, OMIM 613347.
Glioma susceptibility 3 (GLM3). Also called: Glioblastoma 3. Identifiers: Orphanet 182067, Orphanet 360, MedGen C2751641, MONDO:0013093, OMIM 613029.
Wilms tumor 1 (WT1). Also called: Wilms tumor, somatic. Identifiers: Orphanet 654, MedGen CN033288, MONDO:0008679, OMIM 194070.
Familial cancer of breast. Also called: hereditary breast carcinoma; BREAST CANCER, FAMILIAL; Hereditary breast cancer. Identifiers: Orphanet 227535, MedGen C0346153, MONDO:0016419, OMIM 114480. Disease mechanism: loss of function.
Prostate cancer. Also called: Malignant tumor of prostate. Identifiers: Orphanet 1331, MedGen C0376358, MONDO:0008315, HP:0012125.
Hereditary breast ovarian cancer syndrome. Also called: Hereditary breast and ovarian cancer syndrome; Breast and ovarian cancer; Hereditary breast and ovarian cancer syndrome (HBOC); BRCA1- and BRCA2-Associated Hereditary Breast and Ovarian Cancer; Hereditary breast and/or ovarian cancer syndrome; Hereditary breast and ovarian cancer. Identifiers: Orphanet 145, MedGen C0677776, MeSH D061325, MONDO:0003582. Disease mechanism: loss of function.

Allele frequency attached by ClinVar (database versions not stated): gnomAD exomes below 0.00001; TOPMed below 0.00001.

Submissions (8):

Labcorp Genetics (formerly Invitae), Labcorp
Classification: Uncertain significance for Hereditary breast ovarian cancer syndrome. Last evaluated: 2025-07-07. Review status: criteria provided, single submitter. Criteria: Invitae Variant Classification Sherloc (09022015). Collection method: clinical testing. Allele origin: germline.
Comment: This sequence change replaces proline, which is neutral and non-polar, with threonine, which is neutral and polar, at codon 2276 of the BRCA2 protein (p.Pro2276Thr). This variant is present in population databases (rs80358907, gnomAD 0.006%). This missense change has been observed in individual(s) with BRCA2-related conditions (PMID: 10923033). ClinVar contains an entry for this variant (Variation ID: 52201). Invitae Evidence Modeling of protein sequence and biophysical properties (such as structural, functional, and spatial information, amino acid conservation, physicochemical variation, residue mobility, and thermodynamic stability) indicates that this missense variant is not expected to disrupt BRCA2 protein function with a negative predictive value of 95%. In summary, the available evidence is currently insufficient to determine the role of this variant in disease. Therefore, it has been classified as a Variant of Uncertain Significance.

GeneDx
Classification: Uncertain significance. Last evaluated: 2024-03-20. Review status: criteria provided, single submitter. Criteria: GeneDx Variant Classification Process June 2021. Collection method: clinical testing. Allele origin: germline. Affected: yes.
Comment: Not observed at significant frequency in large population cohorts (gnomAD); In silico analysis supports that this missense variant does not alter protein structure/function; Has not been previously published as pathogenic or benign to our knowledge; Also known as 7054C>A

All of Us Research Program, National Institutes of Health
Classification: Uncertain significance for Breast-ovarian cancer, familial, susceptibility to, 2. Last evaluated: 2023-08-15. Review status: criteria provided, single submitter. Criteria: ACMG Guidelines, 2015. Collection method: clinical testing. Allele origin: germline. Inheritance: Autosomal dominant inheritance. Observed: 1 variant allele, 1 heterozygote.
Comment: This missense variant replaces proline with threonine at codon 2276 of the BRCA2 protein. Computational prediction suggests that this variant may not impact protein structure and function (internally defined REVEL score threshold <= 0.5, PMID: 27666373). To our knowledge, functional studies have not been reported for this variant. This variant has not been reported in individuals affected with BRCA2-related disorders in the literature. This variant has been identified in 1/250224 chromosomes in the general population by the Genome Aggregation Database (gnomAD). The available evidence is insufficient to determine the role of this variant in disease conclusively. Therefore, this variant is classified as a Variant of Uncertain Significance.

This study involves interpretation of variants in research participants for the purpose of population health screening. Participant phenotype was not available at the time of variant classification. Additional details can be found in publication PMID: 35346344, PMCID: PMC8962531

Color Diagnostics, LLC DBA Color Health
Classification: Uncertain significance for Hereditary cancer-predisposing syndrome. Last evaluated: 2023-07-27. Review status: criteria provided, single submitter. Criteria: ACMG Guidelines, 2015. Collection method: clinical testing. Allele origin: germline.
Comment: This missense variant replaces proline with threonine at codon 2276 of the BRCA2 protein. Computational prediction suggests that this variant may not impact protein structure and function. To our knowledge, functional studies have not been reported for this variant. This variant has not been reported in individuals affected with BRCA2-related disorders in the literature. This variant has been identified in 1/250224 chromosomes in the general population by the Genome Aggregation Database (gnomAD). The available evidence is insufficient to determine the role of this variant in disease conclusively. Therefore, this variant is classified as a Variant of Uncertain Significance.

University of Washington Department of Laboratory Medicine, University of Washington
Classification: Likely benign for Hereditary cancer-predisposing syndrome. Last evaluated: 2023-03-23. Review status: criteria provided, single submitter. Criteria: Dines et al. (Genet Med. 2020). Collection method: curation. Allele origin: germline.
Comment: Missense variant in a coldspot region where missense variants are very unlikely to be pathogenic (PMID:31911673).

BRCA2 exon 11 coldspot. Reclassification based on statistical prior probability.

Fulgent Genetics
Classification: Uncertain significance for Familial cancer of breast; Medulloblastoma; Familial prostate cancer; Wilms tumor 1; Fanconi anemia complementation group D1; Breast-ovarian cancer, familial, susceptibility to, 2; Glioma susceptibility 3; Pancreatic cancer, susceptibility to, 2. Last evaluated: 2022-04-08. Review status: criteria provided, single submitter. Criteria: ACMG Guidelines, 2015. Collection method: clinical testing. Allele origin: unknown.

Ambry Genetics
Classification: Uncertain significance for Hereditary cancer-predisposing syndrome. Last evaluated: 2019-05-24. Review status: criteria provided, single submitter. Criteria: Ambry Variant Classification Scheme 2023. Collection method: clinical testing. Allele origin: germline.
Comment: The p.P2276T variant (also known as c.6826C>A), located in coding exon 10 of the BRCA2 gene, results from a C to A substitution at nucleotide position 6826. The proline at codon 2276 is replaced by threonine, an amino acid with highly similar properties. This amino acid position is poorly conserved and threonine is a reference amino acid in several species. In addition, this alteration is predicted to be tolerated by in silico analysis. Since supporting evidence is limited at this time, the clinical significance of this alteration remains unclear.

Breast Cancer Information Core (BIC) (BRCA2)
Classification: Uncertain significance for Breast-ovarian cancer, familial 2. Last evaluated: 2010-09-18. Review status: no assertion criteria provided. Collection method: clinical testing. Allele origin: germline. Affected: yes. Observed: 1 variant allele. Not counted in ClinVar's aggregate classification.

Literature cited by the submitters: PubMed 10923033 (cited by Labcorp Genetics (formerly Invitae), Labcorp).

NM_000059.4(BRCA2):c.6826C>A (p.Pro2276Thr)

Gene: BRCA2 (BRCA2 DNA repair associated; plus strand). Cytogenetic location: 13q13.1.
Variant type: single nucleotide variant.
Coding change: c.6826C>A on transcript NM_000059.4 (MANE Select); coding-DNA position 6826, C replaced by A.
Protein change: p.Pro2276Thr; replaces proline 2276 with threonine.
Molecular consequence: missense variant.
Genome position (GRCh38, 1-based): chr13:32,341,181, C>A. VCF-style: chr13-32341181-C-A. GRCh37 (hg19) VCF-style: chr13-32915318-C-A.
Other names: short protein forms P2276T.
Identifiers: ClinVar variation 52201 (VCV000052201.18), dbSNP rs80358907, ClinGen allele CA024465.